The following is an entry in ClinVar:

ClinVar aggregate classification (germline): Uncertain significance (1 of 4 stars; one submission).

Allele frequency attached by ClinVar (database versions not stated): gnomAD 0.00001; gnomAD exomes 0.00001.
gnomAD v4.1: 18 of 1,613,708 alleles (0.0011%); highest among the groups gnomAD compares: Non-Finnish European, 0.0015%; no homozygotes.

Submission:

Labcorp Genetics (formerly Invitae), Labcorp
Classification: Uncertain significance. Last evaluated: 2025-10-02. Review status: criteria provided, single submitter. Criteria: Invitae Variant Classification Sherloc (09022015). Collection method: clinical testing. Allele origin: germline.
Comment: This sequence change replaces aspartic acid, which is acidic and polar, with glycine, which is neutral and non-polar, at codon 276 of the REPS1 protein (p.Asp276Gly). This variant is not present in population databases (gnomAD no frequency). This variant has not been reported in the literature in individuals affected with REPS1-related conditions. ClinVar contains an entry for this variant (Variation ID: 2984953). Invitae Evidence Modeling of protein sequence and biophysical properties (such as structural, functional, and spatial information, amino acid conservation, physicochemical variation, residue mobility, and thermodynamic stability) indicates that this missense variant is expected to disrupt REPS1 protein function with a positive predictive value of 80%. In summary, the available evidence is currently insufficient to determine the role of this variant in disease. Therefore, it has been classified as a Variant of Uncertain Significance.

NM_001286611.2(REPS1):c.827A>G (p.Asp276Gly)

Gene: REPS1 (RALBP1 associated Eps domain containing 1; minus strand). Cytogenetic location: 6q24.1.
Variant type: single nucleotide variant.
Coding change: c.827A>G on transcript NM_001286611.2 (MANE Select); coding-DNA position 827, A replaced by G.
Protein change: p.Asp276Gly; replaces aspartic acid 276 with glycine.
Molecular consequence: missense variant.
Genome position (GRCh38, 1-based): chr6:138,943,942, T>C on the plus strand (A>G on the coding strand, the complement: REPS1 is on the minus strand). VCF-style: chr6-138943942-T-C. GRCh37 (hg19) VCF-style: chr6-139265079-T-C.
Other names: c.827A>G, p.Asp276Gly (NM_001286612.2, NM_031922.5, NM_001128617.3); short protein forms D276G.
Identifiers: ClinVar variation 2984953 (VCV002984953.3), dbSNP rs1782435014, ClinGen allele CA365813602.